The following is an entry in ClinVar:

NM_000157.4(GBA1):c.1346C>T (p.Thr449Met)

Genes: GBA1 (glucosylceramidase beta 1; minus strand), LOC106627981 (GBA recombination region; plus strand). Cytogenetic location: 1q22.
Variant type: single nucleotide variant.
Coding change: c.1346C>T on transcript NM_000157.4 (MANE Select); coding-DNA position 1346, C replaced by T.
Protein change: p.Thr449Met; replaces threonine 449 with methionine.
Molecular consequence: missense variant.
Genome position (GRCh38, 1-based): chr1:155,235,723, G>A on the plus strand (C>T on the coding strand, the complement: GBA1 is on the minus strand). VCF-style: chr1-155235723-G-A. GRCh37 (hg19) VCF-style: chr1-155205514-G-A.
Other names: c.1346C>T (NM_001005741.2); c.1346C>T, p.Thr449Met (NM_001005741.3, NM_001005742.3); c.1085C>T, p.Thr362Met (NM_001171811.2); c.1199C>T, p.Thr400Met (NM_001171812.2); short protein forms T362M, T400M, T449M.
Identifiers: ClinVar variation 1199281 (VCV001199281.5), dbSNP rs757930613, ClinGen allele CA1141552.
Genomic context (GRCh38, chr1:155,235,723, plus strand): 5'-TGCCCGCCCTCCACTCACCTGAAGTGGCCAAGGTGGTAGAACATGGGCTGTTTGTAAAAC[G>A]TGTCCTTGGTGATGTCTACAATGATGGGACTGTCGACAAAGTTACGCACCCAATTGGGTC-3'
Protein context (NP_000148.2, residues 439-459): SPIIVDITKD[Thr449Met]FYKQPMFYHL

ClinVar aggregate classification (germline): Uncertain significance. Review status: criteria provided, multiple submitters, no conflicts (2 of 4 stars). 4 submissions from 3 submitters: Uncertain significance (4). Last evaluated 2022-08-16.

Conditions:
Gaucher disease type II (GD2). Also called: Acute neuronopathic Gaucher's disease; GAUCHER DISEASE, ACUTE NEURONOPATHIC TYPE; GD II; Type 2 Gaucher disease (Acute; Infantile). Identifiers: Orphanet 77260, MedGen C0268250, MONDO:0009266, OMIM 230900.
Gaucher disease type I (GD1). Also called: GAUCHER DISEASE, NONCEREBRAL JUVENILE; GBA DEFICIENCY; GD I; GLUCOCEREBROSIDASE DEFICIENCY; Type 1 Gaucher Disease; Gaucher's disease, type 1. Identifiers: Orphanet 355, Orphanet 77259, MedGen C1961835, MONDO:0009265, OMIM 230800.
Gaucher disease type III. Also called: Subacute neuronopathic Gaucher's disease; GAUCHER DISEASE, CHRONIC NEURONOPATHIC TYPE; GAUCHER DISEASE, JUVENILE AND ADULT, CEREBRAL; GAUCHER DISEASE, SUBACUTE NEURONOPATHIC TYPE; GD III; Type 3 Gaucher disease (Subacute; Juvenile). Identifiers: Orphanet 355, Orphanet 77261, MedGen C0268251, MONDO:0009267, OMIM 231000.
Gaucher disease-ophthalmoplegia-cardiovascular calcification syndrome. Also called: GAUCHER DISEASE, TYPE IIIC. Identifiers: Orphanet 2072, MedGen C1856476, MONDO:0009268, OMIM 231005.
Gaucher disease perinatal lethal. Also called: Gaucher disease collodion type; Gaucher Disease, Perinatal-Lethal Form. Identifiers: Orphanet 85212, MedGen C1842704, MONDO:0011945, OMIM 608013.
Lewy body dementia (DLB). Also called: Lewy Body Disease. Identifiers: MedGen C0752347, MONDO:0007488, OMIM 127750.
Parkinson disease, late-onset (PD). Also called: PARKINSON DISEASE, LATE-ONSET, SUSCEPTIBILITY TO; Susceptibility to Parkinson's Disease; Hereditary late onset Parkinson disease. Identifiers: Orphanet 411602, MedGen C3160718, MONDO:0008199, OMIM 168600.

Allele frequency attached by ClinVar (database versions not stated): TOPMed 0.00001; gnomAD 0.00002; gnomAD exomes 0.00004; ExAC 0.00006.
gnomAD v4.1: 31 of 1,613,280 alleles (0.0019%); highest among the groups gnomAD compares: Middle Eastern, 0.066%; 1 homozygote.

Submissions (4):

GeneDx
Classification: Uncertain significance. Last evaluated: 2022-08-16. Review status: criteria provided, single submitter. Criteria: GeneDx Variant Classification Process June 2021. Collection method: clinical testing. Allele origin: germline. Affected: yes.
Comment: Reported previously in control sample cohorts for both Parkinson disease and Gaucher disease and not seen in the affected patients (Wolf et al., 2018; Ruskey et al., 2019); In silico analysis supports that this missense variant does not alter protein structure/function; Also known as p.(T410M); This variant is associated with the following publications: (PMID: 29842932, 29100779)

Fulgent Genetics
Classification: Uncertain significance for Lewy body dementia; Parkinson disease, late-onset; Gaucher disease type I; Gaucher disease type II; Gaucher disease type III; Gaucher disease-ophthalmoplegia-cardiovascular calcification syndrome; Gaucher disease perinatal lethal. Last evaluated: 2021-12-07. Review status: criteria provided, single submitter. Criteria: ACMG Guidelines, 2015. Collection method: clinical testing. Allele origin: unknown.

Genome-Nilou Lab
Classification: Uncertain significance for Gaucher disease type I. Last evaluated: 2021-07-14. Review status: criteria provided, single submitter. Criteria: ACMG Guidelines, 2015. Collection method: clinical testing. Allele origin: germline. Affected: no.

Genome-Nilou Lab
Classification: Uncertain significance for Gaucher disease type II. Last evaluated: 2021-07-14. Review status: criteria provided, single submitter. Criteria: ACMG Guidelines, 2015. Collection method: clinical testing. Allele origin: germline. Affected: no.